The following is an entry in ClinVar:

NM_006445.4(PRPF8):c.2701C>A (p.Leu901Met)

Gene: PRPF8 (pre-mRNA processing factor 8; minus strand). Cytogenetic location: 17p13.3.
Variant type: single nucleotide variant.
Coding change: c.2701C>A on transcript NM_006445.4 (MANE Select); coding-DNA position 2701, C replaced by A.
Protein change: p.Leu901Met; replaces leucine 901 with methionine.
Molecular consequence: missense variant.
Genome position (GRCh38, 1-based): chr17:1,675,791, G>T on the plus strand (C>A on the coding strand, the complement: PRPF8 is on the minus strand). VCF-style: chr17-1675791-G-T. GRCh37 (hg19) VCF-style: chr17-1579085-G-T.
Other names: short protein forms L901M.
Identifiers: ClinVar variation 2108978 (VCV002108978.4), dbSNP rs2151127784, ClinGen allele CA397548657.
Genomic context (GRCh38, chr17:1,675,791, plus strand): 5'-AAGCATCAGTTATCTTCTCCAGGGGCTCAACATCATATACTGGAACGAGGTGGCTATACA[G>T]ATCCATGAACTCAATGCCCACCTGTGGGACAAGGAGGCTGGTTCACACCAATCCACCAAC-3'
Protein context (NP_006436.3, residues 891-911): FKEVGIEFMD[Leu901Met]YSHLVPVYDV

ClinVar aggregate classification (germline): Uncertain significance (1 of 4 stars; one submission).

Submission:

Labcorp Genetics (formerly Invitae), Labcorp
Classification: Uncertain significance. Last evaluated: 2022-03-11. Review status: criteria provided, single submitter. Criteria: Invitae Variant Classification Sherloc (09022015). Collection method: clinical testing. Allele origin: germline.
Comment: In summary, the available evidence is currently insufficient to determine the role of this variant in disease. Therefore, it has been classified as a Variant of Uncertain Significance. Algorithms developed to predict the effect of missense changes on protein structure and function (SIFT, PolyPhen-2, Align-GVGD) all suggest that this variant is likely to be tolerated. This variant has not been reported in the literature in individuals affected with PRPF8-related conditions. This variant is not present in population databases (gnomAD no frequency). This sequence change replaces leucine, which is neutral and non-polar, with methionine, which is neutral and non-polar, at codon 901 of the PRPF8 protein (p.Leu901Met).